The following is an entry in ClinVar:

ClinVar aggregate classification (germline): Uncertain significance (1 of 4 stars; one submission).

Allele frequency attached by ClinVar (database versions not stated): gnomAD exomes below 0.00001; TOPMed 0.00003.
gnomAD v4.1: 1 of 1,614,188 alleles (0.000062%); highest among the groups gnomAD compares: African/African-American, 0.0013%; no homozygotes.

Submission:

Labcorp Genetics (formerly Invitae), Labcorp
Classification: Uncertain significance. Last evaluated: 2024-11-05. Review status: criteria provided, single submitter. Criteria: Invitae Variant Classification Sherloc (09022015). Collection method: clinical testing. Allele origin: germline.
Comment: This sequence change replaces serine, which is neutral and polar, with leucine, which is neutral and non-polar, at codon 414 of the DEAF1 protein (p.Ser414Leu). This variant is not present in population databases (gnomAD no frequency). This variant has not been reported in the literature in individuals affected with DEAF1-related conditions. ClinVar contains an entry for this variant (Variation ID: 1448199). Invitae Evidence Modeling of protein sequence and biophysical properties (such as structural, functional, and spatial information, amino acid conservation, physicochemical variation, residue mobility, and thermodynamic stability) has been performed for this missense variant. However, the output from this modeling did not meet the statistical confidence thresholds required to predict the impact of this variant on DEAF1 protein function. In summary, the available evidence is currently insufficient to determine the role of this variant in disease. Therefore, it has been classified as a Variant of Uncertain Significance.

NM_021008.4(DEAF1):c.1241C>T (p.Ser414Leu)

Gene: DEAF1 (DEAF1 transcription factor; minus strand). Cytogenetic location: 11p15.5.
Variant type: single nucleotide variant.
Coding change: c.1241C>T on transcript NM_021008.4 (MANE Select); coding-DNA position 1241, C replaced by T.
Protein change: p.Ser414Leu; replaces serine 414 with leucine.
Molecular consequence: missense variant.
Genome position (GRCh38, 1-based): chr11:678,708, G>A on the plus strand (C>T on the coding strand, the complement: DEAF1 is on the minus strand). VCF-style: chr11-678708-G-A. GRCh37 (hg19) VCF-style: chr11-678708-G-A.
Other names: c.974C>T, p.Ser325Leu (NM_001293634.2); c.515C>T, p.Ser172Leu (NM_001367390.1); short protein forms S325L, S172L, S414L.
Identifiers: ClinVar variation 1448199 (VCV001448199.8), dbSNP rs1028176154, ClinGen allele CA216903037.
Genomic context (GRCh38, chr11:678,708, plus strand): 5'-TTCTGAGGACAATAACCTGTACATGTGTGAATTCTTTCAAACCTACCTATTTTGGGATGT[G>A]ACGTTGGCAACGCAGCTTCTGGAAACGGTGCGATCTGGCAGCTGTCCTGATAGCCGGGGT-3'
Protein context (NP_066288.2, residues 404-424): APFPEAALPT[Ser414Leu]HPKIVLTSLP